The following is an entry in ClinVar:

ClinVar aggregate classification (germline): Uncertain significance (1 of 4 stars; one submission).

Conditions:
Glycine encephalopathy. Also called: Nonketotic hyperglycinemia; Non-ketotic hyperglycinemia. Identifiers: Orphanet 407, MedGen C0751748, MONDO:0011612, HP:0008288.

Allele frequency attached by ClinVar (database versions not stated): gnomAD exomes below 0.00001.
gnomAD v4.1: 1 of 1,613,924 alleles (0.000062%); highest among the groups gnomAD compares: Admixed American, 0.0017%; no homozygotes.

Submission:

Labcorp Genetics (formerly Invitae), Labcorp
Classification: Uncertain significance for Glycine encephalopathy. Last evaluated: 2022-08-13. Review status: criteria provided, single submitter. Criteria: Invitae Variant Classification Sherloc (09022015). Collection method: clinical testing. Allele origin: germline.
Comment: This variant has not been reported in the literature in individuals affected with GLDC-related conditions. This variant is present in population databases (no rsID available, gnomAD 0.003%). This sequence change replaces isoleucine, which is neutral and non-polar, with methionine, which is neutral and non-polar, at codon 834 of the GLDC protein (p.Ile834Met). Advanced modeling of protein sequence and biophysical properties (such as structural, functional, and spatial information, amino acid conservation, physicochemical variation, residue mobility, and thermodynamic stability) performed at Invitae indicates that this missense variant is not expected to disrupt GLDC protein function. In summary, the available evidence is currently insufficient to determine the role of this variant in disease. Therefore, it has been classified as a Variant of Uncertain Significance.

NM_000170.3(GLDC):c.2502A>G (p.Ile834Met)

Gene: GLDC (glycine decarboxylase; minus strand). Cytogenetic location: 9p24.1.
Variant type: single nucleotide variant.
Coding change: c.2502A>G on transcript NM_000170.3 (MANE Select); coding-DNA position 2502, A replaced by G.
Protein change: p.Ile834Met; replaces isoleucine 834 with methionine.
Molecular consequence: missense variant.
Genome position (GRCh38, 1-based): chr9:6,550,870, T>C on the plus strand (A>G on the coding strand, the complement: GLDC is on the minus strand). VCF-style: chr9-6550870-T-C. GRCh37 (hg19) VCF-style: chr9-6550870-T-C.
Other names: short protein forms I834M.
Identifiers: ClinVar variation 2178572 (VCV002178572.2), dbSNP rs1319920009, ClinGen allele CA372876270.